The following is an entry in ClinVar:

ClinVar aggregate classification (germline): Pathogenic. Review status: reviewed by expert panel (3 of 4 stars). 2 submissions from 2 submitters: Pathogenic (1). 1 of the submissions does not count toward it. Last evaluated 2025-12-05.

Conditions:
ABCA4-related retinopathy. Also called: ABCA4 retinoapthy; ABCA4-related retinoapthy. Identifiers: MedGen CN322612, MONDO:0800406.

Allele frequency attached by ClinVar (database versions not stated): gnomAD exomes below 0.00001.

Submissions (2):

ClinGen ABCA4 Variant Curation Expert Panel, Clingen
Classification: Pathogenic for ABCA4-related retinopathy. Last evaluated: 2025-12-05. Review status: reviewed by expert panel. Criteria: ClinGen ABCA4 ACMG Specifications V1.0.0. Collection method: curation. Allele origin: germline. Inheritance: Autosomal recessive inheritance.
Comment: The NM_000350.3:c.2879del (p.Ala960AspfsTer17) variant in ABCA4 is a frameshift variant predicted to cause a premature stop codon in biologically relevant exon 19/50 leading to nonsense mediated decay in a gene in which loss-of-function is an established disease mechanism (PVS1). The total minor allele frequency in gnomAD v4.1.0 is 0.0000006195 (1/1614136 alleles), which is lower than the ClinGen ABCA4 VCEP’s threshold for PM2_Supporting (<0.0001). This variant has been detected in at least 1 individual with ABCA4-related retinopathy who was compound heterozygous for the variant and a pathogenic variant (c.6119G>A; p.Arg2040Gln) which was not confirmed in trans (PM3_Supporting; PMID: 29343940). In summary, this variant meets the criteria to be classified as likely pathogenic for ABCA4-related retinopathy based on the ACMG/AMP criteria applied, as specified by the ClinGen ABCA4 VCEP (Specification Version 1): PVS1, PM3_Supporting, PM2_Supporting.

Labcorp Genetics (formerly Invitae), Labcorp
Classification: Pathogenic. Last evaluated: 2020-11-27. Review status: criteria provided, single submitter. Criteria: Invitae Variant Classification Sherloc (09022015). Collection method: clinical testing. Allele origin: germline. Not counted in ClinVar's aggregate classification.
Comment: For these reasons, this variant has been classified as Pathogenic. This variant has been observed in individual(s) with Stargardt disease (PMID: 29343940). This variant is not present in population databases (ExAC no frequency). This sequence change creates a premature translational stop signal (p.Ala960Aspfs*17) in the ABCA4 gene. It is expected to result in an absent or disrupted protein product. Loss-of-function variants in ABCA4 are known to be pathogenic (PMID: 10958761, 24938718, 25312043, 26780318).

Literature cited by the submitters: PubMed 29343940 (cited by Labcorp Genetics (formerly Invitae), Labcorp); PubMed 10958761 (cited by Labcorp Genetics (formerly Invitae), Labcorp); PubMed 24938718 (cited by Labcorp Genetics (formerly Invitae), Labcorp); PubMed 25312043 (cited by Labcorp Genetics (formerly Invitae), Labcorp); PubMed 26780318 (cited by Labcorp Genetics (formerly Invitae), Labcorp).

NM_000350.3(ABCA4):c.2879del (p.Ala960fs)

Gene: ABCA4 (ATP binding cassette subfamily A member 4; minus strand). Cytogenetic location: 1p22.1.
Variant type: Deletion.
Coding change: c.2879del on transcript NM_000350.3 (MANE Select); coding-DNA position 2879, one base deleted (C; older notation c.2879delC).
Protein change: p.Ala960fs; shifts the reading frame from alanine 960.
Molecular consequence: frameshift variant.
Genome position (GRCh38, 1-based): chr1:94,046,958, G deleted on the plus strand (C on the coding strand, the reverse complement: ABCA4 is on the minus strand). VCF-style (leftmost placement, unchanged base first): chr1-94046957-TG-T. GRCh37 (hg19) VCF-style: chr1-94512513-TG-T.
Other names: NM_000350.3(ABCA4):c.2879del; p.Ala960fs; c.2657delC, p.Ala886Aspfs (NM_001425324.1); short protein forms A960fs.
Identifiers: ClinVar variation 1372740 (VCV001372740.8), dbSNP rs2101057149, ClinGen allele CA2573132716.